The following is an entry in ClinVar:

ClinVar aggregate classification (germline): Conflicting classifications of pathogenicity. Review status: criteria provided, conflicting classifications (1 of 4 stars). 4 submissions from 4 submitters: Uncertain significance (1); Likely benign (3). Last evaluated 2026-05-13.

Conditions:
Baraitser-winter syndrome 2. Identifiers: Orphanet 2995, MedGen C3281235, MONDO:0013812, OMIM 614583.
Autosomal dominant nonsyndromic hearing loss 20. Identifiers: Orphanet 90635, MedGen C1858172, MONDO:0011480, OMIM 604717.

Allele frequency attached by ClinVar (database versions not stated): ExAC 0.00001; TOPMed 0.00002; gnomAD 0.00001; gnomAD exomes 0.00002 and 0.00001.

Submissions (4):

Women's Health and Genetics/Laboratory Corporation of America, LabCorp
Classification: Likely benign. Last evaluated: 2026-05-13. Review status: criteria provided, single submitter. Criteria: LabCorp Variant Classification Summary - May 2015. Collection method: clinical testing. Allele origin: germline.

Labcorp Genetics (formerly Invitae), Labcorp
Classification: Likely benign for Baraitser-winter syndrome 2; Autosomal dominant nonsyndromic hearing loss 20. Last evaluated: 2025-11-25. Review status: criteria provided, single submitter. Criteria: Invitae Variant Classification Sherloc (09022015). Collection method: clinical testing. Allele origin: germline.

Fulgent Genetics
Classification: Uncertain significance for Autosomal dominant nonsyndromic hearing loss 20; Baraitser-winter syndrome 2. Last evaluated: 2024-01-30. Review status: criteria provided, single submitter. Criteria: ACMG Guidelines, 2015. Collection method: clinical testing. Allele origin: germline.

Laboratory for Molecular Medicine, Mass General Brigham Personalized Medicine
Classification: Likely benign. Last evaluated: 2016-05-10. Review status: criteria provided, single submitter. Criteria: LMM Criteria. Collection method: clinical testing. Allele origin: germline. Observed: 1 variant allele.
Comment: p.Glu214Glu in exon 4 of ACTG1: This variant is not expected to have clinical si gnificance because it does not alter an amino acid residue and is not located wi thin the splice consensus sequence. It and has been identified in 1/11568 Latino chromosomes by the Exome Aggregation Consortium (ExAC; dbSNP rs782187026).

NM_001614.5(ACTG1):c.642G>A (p.Glu214=)

Gene: ACTG1 (actin gamma 1; minus strand). Cytogenetic location: 17q25.3.
Variant type: single nucleotide variant.
Coding change: c.642G>A on transcript NM_001614.5 (MANE Select); coding-DNA position 642, G replaced by A.
Protein change: p.Glu214=; no amino-acid change (glutamic acid 214 retained).
Molecular consequence: synonymous variant. On other transcripts: non-coding transcript variant (1).
Genome position (GRCh38, 1-based): chr17:81,511,348, C>T on the plus strand (G>A on the coding strand, the complement: ACTG1 is on the minus strand). VCF-style: chr17-81511348-C-T. GRCh37 (hg19) VCF-style: chr17-79478374-C-T.
Other names: c.642G>A, p.Glu214= (NM_001199954.3).
Identifiers: ClinVar variation 505002 (VCV000505002.9), dbSNP rs782187026, ClinGen allele CA8836030.
Genomic context (GRCh38, chr17:81,511,348, plus strand): 5'-AGAGGAGGATGCGGCGGTGGCCATCTCCTGCTCGAAGTCCAGGGCGACGTAGCACAGCTT[C>T]TCCTTGATGTCGCGCACGATTTCCCGCTCGGCCGTGGTGGTGAAGCTGTAGCCTCGCTCA-3'
Protein context (NP_001605.1, residues 204-224): AEREIVRDIK[Glu214=]KLCYVALDFE